The following is an entry in ClinVar:

ClinVar aggregate classification (germline): Likely benign. Review status: criteria provided, multiple submitters, no conflicts (2 of 4 stars). 3 submissions from 3 submitters: Likely benign (3). Last evaluated 2025-04-30.

Conditions:
Hereditary spastic paraplegia 54. Also called: Spastic paraplegia 54, autosomal recessive. Identifiers: Orphanet 320380, MedGen C3539495, MONDO:0014018, OMIM 615033.

Allele frequency attached by ClinVar (database versions not stated): ESP Exome Variant Server 0.00008; gnomAD 0.00010 and 0.00007; gnomAD exomes 0.00010 and 0.00003; TOPMed 0.00012; ExAC 0.00008.
gnomAD v4.1: 59 of 1,581,440 alleles (0.0037%); highest among the groups gnomAD compares: Admixed American, 0.056%; no homozygotes.

Submissions (3):

Labcorp Genetics (formerly Invitae), Labcorp
Classification: Likely benign for Hereditary spastic paraplegia 54. Last evaluated: 2025-04-30. Review status: criteria provided, single submitter. Criteria: Invitae Variant Classification Sherloc (09022015). Collection method: clinical testing. Allele origin: germline.

GeneDx
Classification: Likely benign. Last evaluated: 2016-12-20. Review status: criteria provided, single submitter. Criteria: GeneDx Variant Classification (06012015). Collection method: clinical testing. Allele origin: germline. Affected: yes.
Comment: This variant is considered likely benign or benign based on one or more of the following criteria: it is a conservative change, it occurs at a poorly conserved position in the protein, it is predicted to be benign by multiple in silico algorithms, and/or has population frequency not consistent with disease.

Breakthrough Genomics
Classification: Likely benign. Review status: criteria provided, single submitter. Criteria: ACMG Guidelines, 2015. Collection method: not provided. Allele origin: germline. Inheritance: Autosomal recessive inheritance. Affected: yes.

NM_015214.3(DDHD2):c.1058-13A>G

Gene: DDHD2 (DDHD domain containing 2; plus strand). Cytogenetic location: 8p11.23.
Variant type: single nucleotide variant.
Coding change: c.1058-13A>G on transcript NM_015214.3 (MANE Select); 13 bases into the intron before coding-DNA position 1058, A replaced by G.
Molecular consequence: intron variant.
Genome position (GRCh38, 1-based): chr8:38,246,220, A>G. VCF-style: chr8-38246220-A-G. GRCh37 (hg19) VCF-style: chr8-38103738-A-G.
Other names: c.1058-13A>G (NM_001362914.2, NM_001362912.2, NM_001362911.2 and 1 more transcripts); c.968-13A>G (NM_001362913.2).
Identifiers: ClinVar variation 391679 (VCV000391679.6), dbSNP rs371362810, ClinGen allele CA4716151.